The following is an entry in ClinVar:

ClinVar aggregate classification (germline): Uncertain significance. Review status: criteria provided, multiple submitters, no conflicts (2 of 4 stars). 2 submissions from 2 submitters: Uncertain significance (2). Last evaluated 2024-10-22.

Allele frequency attached by ClinVar (database versions not stated): ExAC 0.00004; gnomAD 0.00007; TOPMed 0.00011; ESP Exome Variant Server 0.00015.
gnomAD v4.1: 289 of 1,611,992 alleles (0.018%); highest among the groups gnomAD compares: Non-Finnish European, 0.023%; no homozygotes.

Submissions (2):

Blueprint Genetics
Classification: Uncertain significance. Last evaluated: 2024-10-22. Review status: criteria provided, single submitter. Criteria: ACMG Guidelines, 2015. Collection method: clinical testing. Allele origin: germline.

Labcorp Genetics (formerly Invitae), Labcorp
Classification: Uncertain significance. Last evaluated: 2022-07-09. Review status: criteria provided, single submitter. Criteria: Invitae Variant Classification Sherloc (09022015). Collection method: clinical testing. Allele origin: germline.
Comment: This sequence change replaces arginine, which is basic and polar, with cysteine, which is neutral and slightly polar, at codon 767 of the ERCC6 protein (p.Arg767Cys). This variant is present in population databases (rs370105701, gnomAD 0.01%). This variant has not been reported in the literature in individuals affected with ERCC6-related conditions. Algorithms developed to predict the effect of missense changes on protein structure and function (SIFT, PolyPhen-2, Align-GVGD) all suggest that this variant is likely to be disruptive. Algorithms developed to predict the effect of sequence changes on RNA splicing suggest that this variant may create or strengthen a splice site. In summary, the available evidence is currently insufficient to determine the role of this variant in disease. Therefore, it has been classified as a Variant of Uncertain Significance.

NM_000124.4(ERCC6):c.2299C>T (p.Arg767Cys)

Gene: ERCC6 (ERCC excision repair 6, chromatin remodeling factor; minus strand). Cytogenetic location: 10q11.23.
Variant type: single nucleotide variant.
Coding change: c.2299C>T on transcript NM_000124.4 (MANE Select); coding-DNA position 2299, C replaced by T.
Protein change: p.Arg767Cys; replaces arginine 767 with cysteine.
Molecular consequence: missense variant.
Genome position (GRCh38, 1-based): chr10:49,476,298, G>A on the plus strand (C>T on the coding strand, the complement: ERCC6 is on the minus strand). VCF-style: chr10-49476298-G-A. GRCh37 (hg19) VCF-style: chr10-50684344-G-A.
Other names: c.2299C>T, p.Arg767Cys (NM_001346440.2); short protein forms R767C.
Identifiers: ClinVar variation 2077832 (VCV002077832.2), dbSNP rs370105701, ClinGen allele CA5495696.
Genomic context (GRCh38, chr10:49,476,298, plus strand): 5'-TGTAAACTTCTTTGGAATCAACGAAATTTTGGTAGACTTTATGCTGCTCATCTGTAAGAC[G>A]GCAAAATAAGACCTACGGACGGGAAAAACAAGGAAACTATAATTTCAAAAAAAAAATTAA-3'
Protein context (NP_000115.1, residues 757-777): PDKNEQVLFC[Arg767Cys]LTDEQHKVYQ